The following is an entry in ClinVar:

ClinVar aggregate classification (germline): Likely benign (1 of 4 stars; one submission).

Allele frequency attached by ClinVar (database versions not stated): gnomAD exomes 0.00020; 1000 Genomes Project 0.00359; TOPMed 0.00452; gnomAD 0.00859 and 0.00888.
gnomAD v4.1: 541 of 113,988 alleles (0.47%); highest among the groups gnomAD compares: African/African-American, 3.1%; 8 homozygotes.

Submission:

GeneDx
Classification: Likely benign. Last evaluated: 2022-01-19. Review status: criteria provided, single submitter. Criteria: GeneDx Variant Classification Process June 2021. Collection method: clinical testing. Allele origin: germline. Affected: yes.
Comment: See Variant Classification Assertion Criteria.

NM_004977.3(KCNC3):c.-94G>T

Genes: KCNC3 (potassium voltage-gated channel subfamily C member 3; minus strand), LOC111811967 (Sharpr-MPRA regulatory region 11330/13384; plus strand). Cytogenetic location: 19q13.33.
Variant type: single nucleotide variant.
Coding change: c.-94G>T on transcript NM_004977.3 (MANE Select); 94 bases upstream of the start codon, G replaced by T.
Molecular consequence: 5 prime UTR variant.
Genome position (GRCh38, 1-based): chr19:50,329,176, C>A on the plus strand (G>T on the coding strand, the complement: KCNC3 is on the minus strand). VCF-style: chr19-50329176-C-A. GRCh37 (hg19) VCF-style: chr19-50832433-C-A.
Identifiers: ClinVar variation 1697993 (VCV001697993.2), dbSNP rs559168583, ClinGen allele CA309576311.
Genomic context (GRCh38, chr19:50,329,176, plus strand): 5'-CAGGGGCGGGGACACGGGGGGAGAGACCGACGGGATTGGGTGGGAGGAGGAGCGAGGTAG[C>A]GGGGGCGTGGCTTAGGGGAGAGGAACCAAACTGATTGGCCTGGGGGAGGTGGGGCGGGGC-3'